The following is an entry in ClinVar:

ClinVar aggregate classification (germline): Benign/Likely benign. Review status: criteria provided, multiple submitters, no conflicts (2 of 4 stars). 7 submissions from 2 submitters: Benign (6); Likely benign (1). Last evaluated 2021-05-23.

Conditions:
Anophthalmia-microphthalmia syndrome. Also called: Anophthalmia/Microphthalmia; Anophthalmia - microphthalmia. Identifiers: Orphanet 98555, MedGen C5680330, MONDO:0020147.
Autosomal dominant keratitis. Also called: Keratitis, hereditary. Identifiers: Orphanet 2334, MedGen C1835698, MONDO:0007848, OMIM 148190.
Aniridia 1 (AN1). Identifiers: Orphanet 250923, MedGen C0344542, MONDO:0024507, OMIM 106210.
11p partial monosomy syndrome (WAGR). Also called: WAGR Spectrum Disorder; WAGR syndrome; WAGR Complex; CHROMOSOME 11p13 DELETION SYNDROME. Identifiers: Orphanet 893, MedGen C0206115, MONDO:0008681, OMIM 194072.
Foveal hypoplasia 1. Also called: FOVEAL HYPOPLASIA 1 WITH OR WITHOUT ANTERIOR SEGMENT ANOMALIES AND/OR CATARACT; FOVEAL HYPOPLASIA 1 WITH ANTERIOR SEGMENT ANOMALIES. Identifiers: Orphanet 2253, MedGen C3805604, MONDO:0007628, OMIM 136520.
carboxymethyl-dextran-A2-gadolinium-DOTA.

Allele frequency attached by ClinVar (database versions not stated): gnomAD 0.00857; gnomAD exomes 0.00174; TOPMed 0.00874; 1000 Genomes Project 30x 0.00906; 1000 Genomes Project 0.00839.
gnomAD v4.1: 1,356 of 232,968 alleles (0.58%); highest among the groups gnomAD compares: African/African-American, 2.7%; 22 homozygotes.

Submissions (7):

GeneDx
Classification: Likely benign. Last evaluated: 2021-05-23. Review status: criteria provided, single submitter. Criteria: GeneDx Variant Classification Process June 2021. Collection method: clinical testing. Allele origin: germline. Affected: yes.
Comment: See Variant Classification Assertion Criteria.

Illumina Laboratory Services, Illumina
Classification: Benign for Anophthalmia-microphthalmia syndrome. Last evaluated: 2018-01-13. Review status: criteria provided, single submitter. Criteria: ICSL Variant Classification Criteria 13 December 2019. Collection method: clinical testing. Allele origin: germline.
Comment: This variant was observed in the ICSL laboratory as part of a predisposition screen in an ostensibly healthy population. It had not been previously curated by ICSL or reported in the Human Gene Mutation Database (HGMD: prior to June 1st, 2018), and was therefore a candidate for classification through an automated scoring system. Utilizing variant allele frequency, disease prevalence and penetrance estimates, and inheritance mode, an automated score was calculated to assess if this variant is too frequent to cause the disease. Based on the score and internal cut-off values, a variant classified as benign is not then subjected to further curation. The score for this variant resulted in a classification of benign for this disease.

Illumina Laboratory Services, Illumina
Classification: Benign for Foveal hypoplasia 1. Last evaluated: 2018-01-13. Review status: criteria provided, single submitter. Criteria: ICSL Variant Classification Criteria 13 December 2019. Collection method: clinical testing. Allele origin: germline.
Comment: the same text as in the submission from Illumina Laboratory Services, Illumina above.

Illumina Laboratory Services, Illumina
Classification: Benign for carboxymethyl-dextran-A2-gadolinium-DOTA. Last evaluated: 2018-01-13. Review status: criteria provided, single submitter. Criteria: ICSL Variant Classification Criteria 13 December 2019. Collection method: clinical testing. Allele origin: germline.
Comment: the same text as in the submission from Illumina Laboratory Services, Illumina above.

Illumina Laboratory Services, Illumina
Classification: Benign for Autosomal dominant keratitis. Last evaluated: 2018-01-13. Review status: criteria provided, single submitter. Criteria: ICSL Variant Classification Criteria 13 December 2019. Collection method: clinical testing. Allele origin: germline.
Comment: the same text as in the submission from Illumina Laboratory Services, Illumina above.

Illumina Laboratory Services, Illumina
Classification: Benign for Wilms tumor, aniridia, genitourinary anomalies, and mental retardation syndrome. Last evaluated: 2018-01-13. Review status: criteria provided, single submitter. Criteria: ICSL Variant Classification Criteria 13 December 2019. Collection method: clinical testing. Allele origin: germline.
Comment: the same text as in the submission from Illumina Laboratory Services, Illumina above.

Illumina Laboratory Services, Illumina
Classification: Benign for Aniridia 1. Last evaluated: 2018-01-13. Review status: criteria provided, single submitter. Criteria: ICSL Variant Classification Criteria 13 December 2019. Collection method: clinical testing. Allele origin: germline.
Comment: the same text as in the submission from Illumina Laboratory Services, Illumina above.

NM_000280.4(PAX6):c.*2416G>T

Genes: ELP4 (elongator acetyltransferase complex subunit 4; plus strand), PAX6 (paired box 6; minus strand). Cytogenetic location: 11p13.
Variant type: single nucleotide variant.
Coding change: c.*2416G>T on transcript NM_000280.4; 2416 bases downstream of the stop codon, G replaced by T.
Molecular consequence: 3 prime UTR variant (on NM_019040.5).
Genome position (GRCh38, 1-based): chr11:31,787,518, C>A on the plus strand (G>T on the coding strand, the complement: PAX6 is on the minus strand). VCF-style: chr11-31787518-C-A. GRCh37 (hg19) VCF-style: chr11-31809066-C-A.
Other names: c.*3980C>A (NM_001288725.2); c.*4089C>A (NM_001288726.2); c.*3994C>A (NM_019040.5).
Identifiers: ClinVar variation 304327 (VCV000304327.8), dbSNP rs79739975, ClinGen allele CA10634568.
Genomic context (GRCh38, chr11:31,787,518, plus strand): 5'-CAGCCAGCGAGAAGGAAGAAGTAAGCCAGCCAGCAGCTGTGGCATGCACTCCCACATAGC[C>A]CTTCTCTGACAGTTCCCTCAGCACACAGCCCTCAGGGAATGTAGGCTGCAAAATGTCAGG-3'